The following is an entry in ClinVar:

ClinVar aggregate classification (germline): Uncertain significance. Review status: criteria provided, multiple submitters, no conflicts (2 of 4 stars). 2 submissions from 2 submitters: Uncertain significance (2). Last evaluated 2025-07-14.

Conditions:
Congenital disorder of glycosylation type 1E (CDG1E). Also called: CONGENITAL DISORDER OF GLYCOSYLATION, TYPE Ie; CDG Ie. Identifiers: Orphanet 79322, MedGen C1837396, MONDO:0012123, OMIM 608799.
DPM1-related disorder. Also called: DPM1-related condition.

Allele frequency attached by ClinVar (database versions not stated): ExAC 0.00001; gnomAD exomes 0.00001; TOPMed 0.00002.
gnomAD v4.1: 14 of 1,614,110 alleles (0.00087%); highest among the groups gnomAD compares: African/African-American, 0.0053%; no homozygotes.

Submissions (2):

PreventionGenetics, part of Exact Sciences
Classification: Uncertain significance for DPM1-related condition. Last evaluated: 2025-07-14. Review status: criteria provided, single submitter. Criteria: ACMG Guidelines, 2015. Collection method: clinical testing. Allele origin: germline.
Comment: The DPM1 c.440G>A variant is predicted to result in the amino acid substitution p.Arg147His. To our knowledge, this variant has not been reported in the literature. This variant is reported in 0.0033% of alleles in individuals of South Asian descent in gnomAD. At this time, the clinical significance of this variant is uncertain due to the absence of conclusive functional and genetic evidence.

Labcorp Genetics (formerly Invitae), Labcorp
Classification: Uncertain significance for Congenital disorder of glycosylation type 1E. Last evaluated: 2024-05-06. Review status: criteria provided, single submitter. Criteria: Invitae Variant Classification Sherloc (09022015). Collection method: clinical testing. Allele origin: germline.
Comment: This sequence change replaces arginine, which is basic and polar, with histidine, which is basic and polar, at codon 147 of the DPM1 protein (p.Arg147His). This variant is present in population databases (rs11553483, gnomAD 0.003%). This variant has not been reported in the literature in individuals affected with DPM1-related conditions. ClinVar contains an entry for this variant (Variation ID: 2039058). An algorithm developed to predict the effect of missense changes on protein structure and function (PolyPhen-2) suggests that this variant is likely to be disruptive. In summary, the available evidence is currently insufficient to determine the role of this variant in disease. Therefore, it has been classified as a Variant of Uncertain Significance.

NM_003859.3(DPM1):c.440G>A (p.Arg147His)

Genes: ADNP-AS1 (ADNP antisense RNA 1; plus strand), DPM1 (dolichyl-phosphate mannosyltransferase subunit 1, catalytic; minus strand). Cytogenetic location: 20q13.13.
Variant type: single nucleotide variant.
Coding change: c.440G>A on transcript NM_003859.3 (MANE Select); coding-DNA position 440, G replaced by A.
Protein change: p.Arg147His; replaces arginine 147 with histidine.
Molecular consequence: missense variant. On other transcripts: non-coding transcript variant (1).
Genome position (GRCh38, 1-based): chr20:50,942,085, C>T on the plus strand (G>A on the coding strand, the complement: DPM1 is on the minus strand). VCF-style: chr20-50942085-C-T. GRCh37 (hg19) VCF-style: chr20-49558622-C-T.
Other names: c.440G>A, p.Arg147His (NM_001317034.1, NM_001317035.1, NM_001317036.1); c.440G>A (NM_003859.2); short protein forms R147H.
Identifiers: ClinVar variation 2039058 (VCV002039058.4), dbSNP rs11553483, ClinGen allele CA9909102.